The following is an entry in ClinVar:

ClinVar aggregate classification (germline): Uncertain significance. Review status: criteria provided, multiple submitters, no conflicts (2 of 4 stars). 2 submissions from 2 submitters: Uncertain significance (2). Last evaluated 2024-11-27.

Conditions:
Glycogen storage disease IXd (GSD9D). Also called: Muscle Phosphorylase Kinase Deficiency; GSD IXd. Identifiers: Orphanet 715, MedGen C1845151, MONDO:0010362, OMIM 300559.

Allele frequency attached by ClinVar (database versions not stated): gnomAD exomes 0.00002; gnomAD 0.00003; TOPMed 0.00003.
gnomAD v4.1: 22 of 1,209,448 alleles (0.0018%); highest among the groups gnomAD compares: Admixed American, 0.046%; no homozygotes.

Submissions (2):

Labcorp Genetics (formerly Invitae), Labcorp
Classification: Uncertain significance for Glycogen storage disease IXd. Last evaluated: 2024-11-27. Review status: criteria provided, single submitter. Criteria: Invitae Variant Classification Sherloc (09022015). Collection method: clinical testing. Allele origin: germline.
Comment: This sequence change replaces aspartic acid, which is acidic and polar, with alanine, which is neutral and non-polar, at codon 649 of the PHKA1 protein (p.Asp649Ala). This variant is present in population databases (no rsID available, gnomAD 0.05%), and has an allele count higher than expected for a pathogenic variant. This variant has not been reported in the literature in individuals affected with PHKA1-related conditions. ClinVar contains an entry for this variant (Variation ID: 2079563). Invitae Evidence Modeling of protein sequence and biophysical properties (such as structural, functional, and spatial information, amino acid conservation, physicochemical variation, residue mobility, and thermodynamic stability) indicates that this missense variant is not expected to disrupt PHKA1 protein function with a negative predictive value of 80%. In summary, the available evidence is currently insufficient to determine the role of this variant in disease. Therefore, it has been classified as a Variant of Uncertain Significance.

Mayo Clinic Laboratories, Mayo Clinic
Classification: Uncertain significance. Last evaluated: 2024-05-16. Review status: criteria provided, single submitter. Criteria: ACMG Guidelines, 2015. Collection method: clinical testing. Allele origin: germline. Observed: 1 variant allele.

NM_002637.4(PHKA1):c.1946A>C (p.Asp649Ala)

Gene: PHKA1 (phosphorylase kinase regulatory subunit alpha 1; minus strand). Cytogenetic location: Xq13.1.
Variant type: single nucleotide variant.
Coding change: c.1946A>C on transcript NM_002637.4 (MANE Select); coding-DNA position 1946, A replaced by C.
Protein change: p.Asp649Ala; replaces aspartic acid 649 with alanine.
Molecular consequence: missense variant.
Genome position (GRCh38, 1-based): chrX:72,623,123, T>G on the plus strand (A>C on the coding strand, the complement: PHKA1 is on the minus strand). VCF-style: chrX-72623123-T-G. GRCh37 (hg19) VCF-style: chrX-71842973-T-G.
Other names: p.Asp649Ala; c.1946A>C, p.Asp649Ala (NM_001122670.2, NM_001172436.2); short protein forms D649A.
Identifiers: ClinVar variation 2079563 (VCV002079563.5), dbSNP rs1404202467, ClinGen allele CA413591311.